The following is an entry in ClinVar:

ClinVar aggregate classification (germline): Uncertain significance. Review status: criteria provided, multiple submitters, no conflicts (2 of 4 stars). 2 submissions from 2 submitters: Uncertain significance (2). Last evaluated 2025-04-01.

gnomAD v4.1: 6 of 1,613,758 alleles (0.00037%); highest among the groups gnomAD compares: Admixed American, 0.0017%; no homozygotes.

Submissions (2):

Labcorp Genetics (formerly Invitae), Labcorp
Classification: Uncertain significance. Last evaluated: 2025-04-01. Review status: criteria provided, single submitter. Criteria: Invitae Variant Classification Sherloc (09022015). Collection method: clinical testing. Allele origin: germline.
Comment: This sequence change replaces valine, which is neutral and non-polar, with isoleucine, which is neutral and non-polar, at codon 2383 of the DCHS1 protein (p.Val2383Ile). This variant is present in population databases (rs749959353, gnomAD 0.003%). This variant has not been reported in the literature in individuals affected with DCHS1-related conditions. An algorithm developed to predict the effect of missense changes on protein structure and function (PolyPhen-2) suggests that this variant is likely to be tolerated. In summary, the available evidence is currently insufficient to determine the role of this variant in disease. Therefore, it has been classified as a Variant of Uncertain Significance.

Blueprint Genetics
Classification: Uncertain significance. Last evaluated: 2023-12-12. Review status: criteria provided, single submitter. Criteria: ACMG Guidelines, 2015. Collection method: clinical testing. Allele origin: germline.

NM_003737.4(DCHS1):c.7147G>A (p.Val2383Ile)

Gene: DCHS1 (dachsous cadherin-related 1; minus strand). Cytogenetic location: 11p15.4.
Variant type: single nucleotide variant.
Coding change: c.7147G>A on transcript NM_003737.4 (MANE Select); coding-DNA position 7147, G replaced by A.
Protein change: p.Val2383Ile; replaces valine 2383 with isoleucine.
Molecular consequence: missense variant.
Genome position (GRCh38, 1-based): chr11:6,624,868, C>T on the plus strand (G>A on the coding strand, the complement: DCHS1 is on the minus strand). VCF-style: chr11-6624868-C-T. GRCh37 (hg19) VCF-style: chr11-6646099-C-T.
Other names: short protein forms V2383I.
Identifiers: ClinVar variation 4770690 (VCV004770690.2).